The following is an entry in ClinVar:

NM_017739.4(POMGNT1):c.1153G>T (p.Glu385Ter)

Genes: POMGNT1 (protein O-linked mannose N-acetylglucosaminyltransferase 1 (beta 1,2-); minus strand), TSPAN1 (tetraspanin 1; plus strand). Cytogenetic location: 1p34.1.
Variant type: single nucleotide variant.
Coding change: c.1153G>T on transcript NM_017739.4 (MANE Select); coding-DNA position 1153, G replaced by T.
Protein change: p.Glu385Ter; replaces glutamic acid 385 with a stop codon.
Molecular consequence: nonsense.
Genome position (GRCh38, 1-based): chr1:46,192,958, C>A on the plus strand (G>T on the coding strand, the complement: POMGNT1 is on the minus strand). VCF-style: chr1-46192958-C-A. GRCh37 (hg19) VCF-style: chr1-46658630-C-A.
Other names: c.1153G>T, p.Glu385Ter (NM_001243766.2, NM_001410783.1); c.1087G>T, p.Glu363Ter (NM_001290129.3); c.724G>T, p.Glu242Ter (NM_001290130.2); short protein forms E385*, E363*, E242*.
Identifiers: ClinVar variation 1372541 (VCV001372541.6), dbSNP rs2148189653, ClinGen allele CA340179223.

ClinVar aggregate classification (germline): Pathogenic (1 of 4 stars; one submission).

Conditions:
Autosomal recessive limb-girdle muscular dystrophy type 2O. Also called: Limb-Girdle Muscular Dystrophy Type 3C; MUSCULAR DYSTROPHY-DYSTROGLYCANOPATHY (LIMB-GIRDLE), TYPE C, 3; MUSCULAR DYSTROPHY-DYSTROGLYCANOPATHY, LIMB-GIRDLE, POMGNT1-RELATED. Identifiers: Orphanet 206564, MedGen C3150417, MONDO:0013161, OMIM 613157.
Muscular dystrophy-dystroglycanopathy (congenital with impaired intellectual development), type B, 3. Also called: MUSCULAR DYSTROPHY, CONGENITAL, POMGNT1-RELATED; Muscular dystrophy-dystroglycanopathy (congenital with intellectual disability), type B3. Identifiers: MedGen C3150412, MONDO:0013155, OMIM 613151.

Submission:

Labcorp Genetics (formerly Invitae), Labcorp
Classification: Pathogenic for Autosomal recessive limb-girdle muscular dystrophy type 2O; Muscular dystrophy-dystroglycanopathy (congenital with impaired intellectual development), type B, 3. Last evaluated: 2021-12-12. Review status: criteria provided, single submitter. Criteria: Invitae Variant Classification Sherloc (09022015). Collection method: clinical testing. Allele origin: germline.
Comment: This sequence change creates a premature translational stop signal (p.Glu385*) in the POMGNT1 gene. It is expected to result in an absent or disrupted protein product. Loss-of-function variants in POMGNT1 are known to be pathogenic (PMID: 19299310, 20816175, 21447391, 26908613, 27391550). This variant is not present in population databases (gnomAD no frequency). This variant has not been reported in the literature in individuals affected with POMGNT1-related conditions. Algorithms developed to predict the effect of sequence changes on RNA splicing suggest that this variant may disrupt the consensus splice site. For these reasons, this variant has been classified as Pathogenic.

Literature cited by the submitters: PubMed 19299310; PubMed 20816175; PubMed 21447391; PubMed 26908613; PubMed 27391550.